The following is an entry in ClinVar:

NM_175875.5(SIX5):c.382C>A (p.Arg128Ser)

Genes: DM1-AS (DM1 locus antisense RNA; plus strand), SIX5 (SIX homeobox 5; minus strand), LOC107075317 (origin of replication in DMPK trinucleotide repeat region; plus strand). Cytogenetic location: 19q13.32.
Variant type: single nucleotide variant.
Coding change: c.382C>A on transcript NM_175875.5 (MANE Select); coding-DNA position 382, C replaced by A.
Protein change: p.Arg128Ser; replaces arginine 128 with serine.
Molecular consequence: missense variant.
Genome position (GRCh38, 1-based): chr19:45,768,463, G>T on the plus strand (C>A on the coding strand, the complement: SIX5 is on the minus strand). VCF-style: chr19-45768463-G-T. GRCh37 (hg19) VCF-style: chr19-46271721-G-T.
Other names: short protein forms R128S.
Identifiers: ClinVar variation 2967044 (VCV002967044.3), dbSNP rs1350446479, ClinGen allele CA406423759.
Genomic context (GRCh38, chr19:45,768,463, plus strand): 5'-CGAGTAGCCGGTAGAGCTCGGCGTACTCGCCCCGCTGGAAGGCCACCAGGGCCCGCGCGC[G>T]CAACACCGGGTCGCTGCCACGTAGGCGCTCGGCCGGGGGCAGTGCGCCCAGGAAGCGGCT-3'
Protein context (NP_787071.3, residues 118-138): ERLRGSDPVL[Arg128Ser]ARALVAFQRG

ClinVar aggregate classification (germline): Uncertain significance (1 of 4 stars; one submission).

Allele frequency attached by ClinVar (database versions not stated): TOPMed below 0.00001; gnomAD 0.00001.
gnomAD v4.1: 21 of 1,529,640 alleles (0.0014%); highest among the groups gnomAD compares: Non-Finnish European, 0.0017%; no homozygotes.

Submission:

Labcorp Genetics (formerly Invitae), Labcorp
Classification: Uncertain significance. Last evaluated: 2023-06-27. Review status: criteria provided, single submitter. Criteria: Invitae Variant Classification Sherloc (09022015). Collection method: clinical testing. Allele origin: germline.
Comment: In summary, the available evidence is currently insufficient to determine the role of this variant in disease. Therefore, it has been classified as a Variant of Uncertain Significance. Advanced modeling of protein sequence and biophysical properties (such as structural, functional, and spatial information, amino acid conservation, physicochemical variation, residue mobility, and thermodynamic stability) performed at Invitae indicates that this missense variant is not expected to disrupt SIX5 protein function. This variant has not been reported in the literature in individuals affected with SIX5-related conditions. The frequency data for this variant in the population databases is considered unreliable, as metrics indicate poor data quality at this position in the gnomAD database. This sequence change replaces arginine, which is basic and polar, with serine, which is neutral and polar, at codon 128 of the SIX5 protein (p.Arg128Ser).